The following is an entry in ClinVar:

ClinVar aggregate classification (germline): Uncertain significance (1 of 4 stars; one submission).

Conditions:
Fanconi anemia (FA). Also called: Fanconi's anemia. Identifiers: Orphanet 84, MedGen C0015625, MeSH D005199, MONDO:0019391.

Allele frequency attached by ClinVar (database versions not stated): TOPMed below 0.00001; gnomAD 0.00001.

Submission:

Labcorp Genetics (formerly Invitae), Labcorp
Classification: Uncertain significance for Fanconi anemia. Last evaluated: 2025-03-27. Review status: criteria provided, single submitter. Criteria: Invitae Variant Classification Sherloc (09022015). Collection method: clinical testing. Allele origin: germline.
Comment: This variant, c.2745_2747del, results in the deletion of 1 amino acid(s) of the FANCD2 protein (p.Leu918del), but otherwise preserves the integrity of the reading frame. This variant is not present in population databases (gnomAD no frequency). This variant has not been reported in the literature in individuals affected with FANCD2-related conditions. ClinVar contains an entry for this variant (Variation ID: 526367). Experimental studies and prediction algorithms are not available or were not evaluated, and the functional significance of this variant is currently unknown. In summary, the available evidence is currently insufficient to determine the role of this variant in disease. Therefore, it has been classified as a Variant of Uncertain Significance.

NM_001018115.3(FANCD2):c.2745_2747del (p.Leu918del)

Genes: FANCD2 (FA complementation group D2; plus strand), LOC107303338 (3p25 FANCD2 Alu-mediated recombination region; plus strand). Cytogenetic location: 3p25.3.
Variant type: Deletion.
Coding change: c.2745_2747del on transcript NM_001018115.3 (MANE Select); coding-DNA positions 2745 to 2747, 3 bases deleted (ATT; older notation c.2745_2747delATT).
Protein change: p.Leu918del; deletes leucine 918.
Molecular consequence: inframe deletion.
Genome position (GRCh38, 1-based): chr3:10,074,559-10,074,561, ATT deleted. VCF-style (leftmost placement, unchanged base first): chr3-10074558-CATT-C. GRCh37 (hg19) VCF-style: chr3-10116242-CATT-C.
Other names: c.2745_2747del, p.Leu918del (NM_001319984.2, NM_001374254.1, NM_033084.6); c.2634_2636del, p.Leu881del (NM_001374253.1); short protein forms L918del, L881del.
Identifiers: ClinVar variation 526367 (VCV000526367.8), dbSNP rs1232274352, ClinGen allele CA658796244.